The following is an entry in ClinVar:

ClinVar aggregate classification (germline): Likely benign. Review status: criteria provided, multiple submitters, no conflicts (2 of 4 stars). 3 submissions from 3 submitters: Likely benign (3). Last evaluated 2026-01-01.

Allele frequency attached by ClinVar (database versions not stated): gnomAD 0.00028; TOPMed 0.00037; ESP Exome Variant Server 0.00038.
gnomAD v4.1: 840 of 1,613,758 alleles (0.052%); highest among the groups gnomAD compares: Admixed American, 0.075%; no homozygotes.

Submissions (3):

CeGaT Center for Human Genetics Tuebingen
Classification: Likely benign. Last evaluated: 2026-01-01. Review status: criteria provided, single submitter. Criteria: CeGaT Center For Human Genetics Tuebingen Variant Classification Criteria Version 2. Collection method: clinical testing. Allele origin: germline. Affected: yes. Observed: 3 variant alleles.
Comment: NDUFA9: BP4, BP7

Labcorp Genetics (formerly Invitae), Labcorp
Classification: Likely benign. Last evaluated: 2025-10-12. Review status: criteria provided, single submitter. Criteria: Invitae Variant Classification Sherloc (09022015). Collection method: clinical testing. Allele origin: germline.

GeneDx
Classification: Likely benign. Last evaluated: 2021-04-17. Review status: criteria provided, single submitter. Criteria: GeneDx Variant Classification Process June 2021. Collection method: clinical testing. Allele origin: germline. Affected: yes.

NM_005002.5(NDUFA9):c.588G>A (p.Pro196=)

Gene: NDUFA9 (NADH:ubiquinone oxidoreductase subunit A9; plus strand). Cytogenetic location: 12p13.32.
Variant type: single nucleotide variant.
Coding change: c.588G>A on transcript NM_005002.5 (MANE Select); coding-DNA position 588, G replaced by A.
Protein change: p.Pro196=; no amino-acid change (proline 196 retained).
Molecular consequence: synonymous variant.
Genome position (GRCh38, 1-based): chr12:4,662,568, G>A. VCF-style: chr12-4662568-G-A. GRCh37 (hg19) VCF-style: chr12-4771734-G-A.
Identifiers: ClinVar variation 378241 (VCV000378241.33), dbSNP rs138434279, ClinGen allele CA6398145.
Genomic context (GRCh38, chr12:4,662,568, plus strand): 5'-ACAGGTTTGTTTGGTTATTGTTTAGGCTGTTGGAGAGAAAGTAGTGAGAGATGCATTTCC[G>A]GAAGCCATTATCGTAAAGCCGTCGGACATCTTTGGAAGAGAGGATAGATTCCTTAATTCT-3'
Protein context (NP_004993.1, residues 186-206): VGEKVVRDAF[Pro196=]EAIIVKPSDI